The following is an entry in ClinVar:

ClinVar aggregate classification (germline): Uncertain significance (1 of 4 stars; one submission).

Submission:

GeneDx
Classification: Uncertain significance. Last evaluated: 2025-03-07. Review status: criteria provided, single submitter. Criteria: GeneDx Variant Classification Process June 2021. Collection method: clinical testing. Allele origin: germline. Affected: yes.
Comment: Not observed at significant frequency in large population cohorts (gnomAD); In silico analysis supports that this missense variant has a deleterious effect on protein structure/function; Has not been previously published as pathogenic or benign to our knowledge

NM_003366.4(UQCRC2):c.34A>G (p.Arg12Gly)

Gene: UQCRC2 (ubiquinol-cytochrome c reductase core protein 2). Cytogenetic location: 16p12.2.
Variant type: single nucleotide variant.
Coding change: c.34A>G on transcript NM_003366.4 (MANE Select); coding-DNA position 34, A replaced by G.
Protein change: p.Arg12Gly; replaces arginine 12 with glycine.
Molecular consequence: missense variant.
Genome position (GRCh38, 1-based): chr16:21,957,235, A>G. VCF-style: chr16-21957235-A-G. GRCh37 (hg19) VCF-style: chr16-21968556-A-G.
Other names: short protein forms R12G.
Identifiers: ClinVar variation 4083013 (VCV004083013.1).